The following is an entry in ClinVar:

ClinVar aggregate classification (germline): Likely pathogenic (1 of 4 stars; one submission).

Conditions:
Primary ciliary dyskinesia. Also called: Ciliary dyskinesia. Identifiers: Orphanet 244, MedGen C0008780, MONDO:0016575, HP:0012265.

gnomAD v4.1: 118 of 1,611,962 alleles (0.0073%); highest among the groups gnomAD compares: Middle Eastern, 0.033%; no homozygotes.

Submission:

Department of Human Genetics, Hannover Medical School
Classification: Likely pathogenic for Primary Ciliary Dyskinesia. Last evaluated: 2026-04-01. Review status: criteria provided, single submitter. Criteria: ACMG Guidelines, 2015. Collection method: research. Allele origin: germline. Affected: no.
Comment: Classification performed by HerediClassify using the following criteria:['PM2_supporting: Variant occures does not occur as homozygous in gnomAD.', 'PVS1_protein_strong: Transcript ENST00000614859 is not predicted to undergo NMD. Protein length change of 0.8298969072164948 observed.', "PP4_moderate: The modified PICADAR socre of 4.0 exceeds threshold of 3 achieving 'moderate' evidence strength."]

NM_152290.4(CFAP107):c.100G>T (p.Glu34Ter)

Gene: CFAP107 (cilia and flagella associated protein 107; plus strand). Cytogenetic location: 1p36.21.
Variant type: single nucleotide variant.
Coding change: c.100G>T on transcript NM_152290.4 (MANE Select); coding-DNA position 100, G replaced by T.
Protein change: p.Glu34Ter; replaces glutamic acid 34 with a stop codon.
Molecular consequence: nonsense.
Genome position (GRCh38, 1-based): chr1:12,746,530, G>T. VCF-style: chr1-12746530-G-T. GRCh37 (hg19) VCF-style: chr1-12806478-G-T.
Other names: c.100G>T, p.Glu34Ter (NM_001330361.2); short protein forms E34*.
Identifiers: ClinVar variation 4880153 (VCV004880153.1).